The following is an entry in ClinVar:

NM_000238.4(KCNH2):c.2398+148C>T

Gene: KCNH2 (potassium voltage-gated channel subfamily H member 2; minus strand). Cytogenetic location: 7q36.1.
Variant type: single nucleotide variant.
Coding change: c.2398+148C>T on transcript NM_000238.4 (MANE Select); 148 bases into the intron after coding-DNA position 2398, C replaced by T.
Molecular consequence: intron variant. On other transcripts: missense variant (5).
Genome position (GRCh38, 1-based): chr7:150,950,020, G>A on the plus strand (C>T on the coding strand, the complement: KCNH2 is on the minus strand). VCF-style: chr7-150950020-G-A. GRCh37 (hg19) VCF-style: chr7-150647108-G-A.
Other names: c.1526C>T, p.Pro509Leu (NM_001204798.2); c.2369C>T, p.Pro790Leu (NM_001406755.1); c.2258C>T, p.Pro753Leu (NM_001406756.1); c.2246C>T, p.Pro749Leu (NM_001406757.1); c.2546C>T, p.Pro849Leu (NM_172056.3); c.2110+148C>T (NM_001406753.1); c.1378+148C>T (NM_172057.3); short protein forms P509L, P749L, P753L, P790L, P849L.
Identifiers: ClinVar variation 2658162 (VCV002658162.24), dbSNP rs1801073961, ClinGen allele CA369855675.

ClinVar aggregate classification (germline): Uncertain significance (1 of 4 stars; one submission).

Allele frequency attached by ClinVar (database versions not stated): TOPMed below 0.00001.

Submission:

CeGaT Center for Human Genetics Tuebingen
Classification: Uncertain significance. Last evaluated: 2023-02-01. Review status: criteria provided, single submitter. Criteria: CeGaT Center For Human Genetics Tuebingen Variant Classification Criteria Version 2. Collection method: clinical testing. Allele origin: germline. Affected: yes. Observed: 1 variant allele.
Comment: KCNH2: PM2, PP2, PP3